The following is an entry in ClinVar:

NM_020435.4(GJC2):c.790A>T (p.Lys264Ter)

Gene: GJC2 (gap junction protein gamma 2; plus strand). Cytogenetic location: 1q42.13.
Variant type: single nucleotide variant.
Coding change: c.790A>T on transcript NM_020435.4 (MANE Select); coding-DNA position 790, A replaced by T.
Protein change: p.Lys264Ter; replaces lysine 264 with a stop codon.
Molecular consequence: nonsense.
Genome position (GRCh38, 1-based): chr1:228,158,548, A>T. VCF-style: chr1-228158548-A-T. GRCh37 (hg19) VCF-style: chr1-228346249-A-T.
Other names: short protein forms K264*.
Identifiers: ClinVar variation 3336782 (VCV003336782.2).

ClinVar aggregate classification (germline): Pathogenic (1 of 4 stars; one submission).

Conditions:
Leukodystrophy, hypomyelinating, 2. Also called: PELIZAEUS-MERZBACHER-LIKE DISEASE, 1. Identifiers: Orphanet 280270, Orphanet 280282, MedGen C1837355, MONDO:0012125, OMIM 608804.

Submission:

Molecular Diagnostics Lab, Nemours Children's Health, Delaware
Classification: Pathogenic for Leukodystrophy, hypomyelinating, 2. Last evaluated: 2021-06-29. Review status: criteria provided, single submitter. Criteria: ACMG Guidelines, 2015. Collection method: clinical testing. Allele origin: unknown. Inheritance: Autosomal recessive inheritance. Affected: yes. Observed: 4 heterozygotes.
Comment: This nonsense variant (c.790A>T, p.Lys264*) has not been observed in population databases (gnomAD), and has not been reported in the literature. It has been found in two affected siblings who were each also found to have another pathogenic variant (c.970_971ins, p.Ala325Profs*147), although parental testing was not performed.